The following is an entry in ClinVar:

NM_000543.5(SMPD1):c.1125C>T (p.Pro375=)

Gene: SMPD1 (sphingomyelin phosphodiesterase 1; plus strand). Cytogenetic location: 11p15.4.
Variant type: single nucleotide variant.
Coding change: c.1125C>T on transcript NM_000543.5 (MANE Select); coding-DNA position 1125, C replaced by T.
Protein change: p.Pro375=; no amino-acid change (proline 375 retained).
Molecular consequence: synonymous variant. On other transcripts: non-coding transcript variant (1), intron variant (1).
Genome position (GRCh38, 1-based): chr11:6,393,249, C>T. VCF-style: chr11-6393249-C-T. GRCh37 (hg19) VCF-style: chr11-6414479-C-T.
Other names: c.1122C>T, p.Pro374= (NM_001007593.3); c.1125C>T, p.Pro375= (NM_001318087.2); c.204C>T, p.Pro68= (NM_001318088.2); c.1132-368C>T (NM_001365135.2).
Identifiers: ClinVar variation 1136005 (VCV001136005.14), dbSNP rs376871416, ClinGen allele CA5852793.

ClinVar aggregate classification (germline): Likely benign. Review status: criteria provided, multiple submitters, no conflicts (2 of 4 stars). 4 submissions from 4 submitters: Likely benign (3). 1 of the submissions does not count toward it. Last evaluated 2025-08-01.

Conditions:
SMPD1-related disorder. Also called: SMPD1-related condition.
Inborn genetic diseases. Identifiers: MedGen C0950123, MeSH D030342.
Niemann-Pick disease, type B. Also called: Chronic Visceral ASMD (Niemann-Pick Disease Type B; NPD-B). Identifiers: Orphanet 77293, MedGen C0268243, MONDO:0011871, OMIM 607616. Disease mechanism: loss of function.
Niemann-Pick disease, type A. Also called: SPHINGOMYELIN LIPIDOSIS; SPHINGOMYELINASE DEFICIENCY; Infantile Neurovisceral ASMD (Niemann-Pick Disease Type A; NPD-A). Identifiers: Orphanet 77292, MedGen C0268242, MONDO:0009756, OMIM 257200. Disease mechanism: loss of function.

Allele frequency attached by ClinVar (database versions not stated): ExAC 0.00002; gnomAD exomes 0.00004; gnomAD 0.00006; TOPMed 0.00009; ESP Exome Variant Server 0.00017.

Submissions (4):

Labcorp Genetics (formerly Invitae), Labcorp
Classification: Likely benign for Niemann-Pick disease, type B; Niemann-Pick disease, type A. Last evaluated: 2025-08-01. Review status: criteria provided, single submitter. Criteria: Invitae Variant Classification Sherloc (09022015). Collection method: clinical testing. Allele origin: germline.

Blueprint Genetics
Classification: Likely benign. Last evaluated: 2024-02-06. Review status: criteria provided, single submitter. Criteria: ACMG Guidelines, 2015. Collection method: clinical testing. Allele origin: germline.

Ambry Genetics
Classification: Likely benign for Inborn genetic diseases. Last evaluated: 2019-11-04. Review status: criteria provided, single submitter. Criteria: Ambry Variant Classification Scheme 2023. Collection method: clinical testing. Allele origin: germline.

PreventionGenetics, part of Exact Sciences
Classification: Likely benign for SMPD1-related condition. Last evaluated: 2023-07-25. Review status: no assertion criteria provided. Collection method: clinical testing. Allele origin: germline. Not counted in ClinVar's aggregate classification.
Comment: This variant is classified as likely benign based on ACMG/AMP sequence variant interpretation guidelines (Richards et al. 2015 PMID: 25741868, with internal and published modifications).